The following is an entry in ClinVar:

NM_000257.4(MYH7):c.2070G>A (p.Met690Ile)

Gene: MYH7 (myosin heavy chain 7; minus strand). Cytogenetic location: 14q11.2.
Variant type: single nucleotide variant.
Coding change: c.2070G>A on transcript NM_000257.4 (MANE Select); coding-DNA position 2070, G replaced by A.
Protein change: p.Met690Ile; replaces methionine 690 with isoleucine.
Molecular consequence: missense variant.
Genome position (GRCh38, 1-based): chr14:23,426,056, C>T on the plus strand (G>A on the coding strand, the complement: MYH7 is on the minus strand). VCF-style: chr14-23426056-C-T. GRCh37 (hg19) VCF-style: chr14-23895265-C-T.
Other names: c.2070G>A, p.Met690Ile (NM_001407004.1); short protein forms M690I.
Identifiers: ClinVar variation 4801946 (VCV004801946.1).

ClinVar aggregate classification (germline): Uncertain significance (1 of 4 stars; one submission).

Conditions:
Hypertrophic cardiomyopathy. Also called: HYPERTROPHIC MYOCARDIOPATHY. Identifiers: Orphanet 217569, MedGen C0007194, MeSH D002312, MONDO:0005045, HP:0001639.

Submission:

Labcorp Genetics (formerly Invitae), Labcorp
Classification: Uncertain significance for Hypertrophic cardiomyopathy. Last evaluated: 2025-06-16. Review status: criteria provided, single submitter. Criteria: Invitae Variant Classification Sherloc (09022015). Collection method: clinical testing. Allele origin: germline.
Comment: This sequence change replaces methionine, which is neutral and non-polar, with isoleucine, which is neutral and non-polar, at codon 690 of the MYH7 protein (p.Met690Ile). This variant is not present in population databases (gnomAD no frequency). This variant has not been reported in the literature in individuals affected with MYH7-related conditions. Invitae Evidence Modeling of protein sequence and biophysical properties (such as structural, functional, and spatial information, amino acid conservation, physicochemical variation, residue mobility, and thermodynamic stability) indicates that this missense variant is expected to disrupt MYH7 protein function with a positive predictive value of 95%. This variant disrupts the p.Met690 amino acid residue in MYH7. Other variant(s) that disrupt this residue have been determined to be pathogenic (PMID: 25524337, 27247418, 27532257). This suggests that this residue is clinically significant, and that variants that disrupt this residue are likely to be disease-causing. In summary, the available evidence is currently insufficient to determine the role of this variant in disease. Therefore, it has been classified as a Variant of Uncertain Significance.

Literature cited by the submitters: PubMed 25524337; PubMed 27247418; PubMed 27532257.